The following is an entry in ClinVar:

ClinVar aggregate classification (germline): Uncertain significance. Review status: criteria provided, multiple submitters, no conflicts (2 of 4 stars). 3 submissions from 3 submitters: Uncertain significance (3). Last evaluated 2024-09-02.

Conditions:
Inborn genetic diseases. Identifiers: MedGen C0950123, MeSH D030342.
Branched-chain keto acid dehydrogenase kinase deficiency (BCKDKD). Also called: BCKDK DEFICIENCY. Identifiers: Orphanet 308410, MedGen C3554078, MONDO:0013970, OMIM 614923.

Allele frequency attached by ClinVar (database versions not stated): gnomAD 0.00015.
gnomAD v4.1: 61 of 1,613,858 alleles (0.0038%); highest among the groups gnomAD compares: Admixed American, 0.063%; no homozygotes.

Submissions (3):

Blueprint Genetics
Classification: Uncertain significance. Last evaluated: 2024-09-02. Review status: criteria provided, single submitter. Criteria: ACMG Guidelines, 2015. Collection method: clinical testing. Allele origin: germline.

Ambry Genetics
Classification: Uncertain significance for Inborn genetic diseases. Last evaluated: 2024-08-20. Review status: criteria provided, single submitter. Criteria: Ambry Variant Classification Scheme 2023. Collection method: clinical testing. Allele origin: germline.

Labcorp Genetics (formerly Invitae), Labcorp
Classification: Uncertain significance for Branched-chain keto acid dehydrogenase kinase deficiency. Last evaluated: 2024-02-17. Review status: criteria provided, single submitter. Criteria: Invitae Variant Classification Sherloc (09022015). Collection method: clinical testing. Allele origin: germline.
Comment: This sequence change replaces lysine, which is basic and polar, with asparagine, which is neutral and polar, at codon 184 of the BCKDK protein (p.Lys184Asn). This variant is present in population databases (rs774214869, gnomAD 0.05%). This variant has not been reported in the literature in individuals affected with BCKDK-related conditions. ClinVar contains an entry for this variant (Variation ID: 1360581). Advanced modeling of protein sequence and biophysical properties (such as structural, functional, and spatial information, amino acid conservation, physicochemical variation, residue mobility, and thermodynamic stability) performed at Invitae indicates that this missense variant is not expected to disrupt BCKDK protein function with a negative predictive value of 80%. In summary, the available evidence is currently insufficient to determine the role of this variant in disease. Therefore, it has been classified as a Variant of Uncertain Significance.

NM_005881.4(BCKDK):c.552G>C (p.Lys184Asn)

Gene: BCKDK (branched chain keto acid dehydrogenase kinase; plus strand). Cytogenetic location: 16p11.2.
Variant type: single nucleotide variant.
Coding change: c.552G>C on transcript NM_005881.4 (MANE Select); coding-DNA position 552, G replaced by C.
Protein change: p.Lys184Asn; replaces lysine 184 with asparagine.
Molecular consequence: missense variant.
Genome position (GRCh38, 1-based): chr16:31,110,409, G>C. VCF-style: chr16-31110409-G-C. GRCh37 (hg19) VCF-style: chr16-31121730-G-C.
Other names: c.552G>C, p.Lys184Asn (NM_001122957.4, NM_001271926.3); c.552G>C (NM_005881.2); short protein forms K184N.
Identifiers: ClinVar variation 1360581 (VCV001360581.7), dbSNP rs774214869, ClinGen allele CA8021609.